The following is an entry in ClinVar:

NM_005215.4(DCC):c.1964T>G (p.Ile655Ser)

Gene: DCC (DCC netrin 1 receptor; plus strand). Cytogenetic location: 18q21.2.
Variant type: single nucleotide variant.
Coding change: c.1964T>G on transcript NM_005215.4 (MANE Select); coding-DNA position 1964, T replaced by G.
Protein change: p.Ile655Ser; replaces isoleucine 655 with serine.
Molecular consequence: missense variant.
Genome position (GRCh38, 1-based): chr18:53,305,630, T>G. VCF-style: chr18-53305630-T-G. GRCh37 (hg19) VCF-style: chr18-50832000-T-G.
Other names: short protein forms I655S.
Identifiers: ClinVar variation 3368988 (VCV003368988.1).
Genomic context (GRCh38, chr18:53,305,630, plus strand): 5'-TTTTACAGAGTATCAAAGTTAGCTGGCTGCCTCCTCCATCAGGAACACAAAATGGATTTA[T>G]TACCGGCTATAAAATTCGACACAGAAAGACGACCCGCAGGGGTGAGATGGAAACACTGGA-3'
Protein context (NP_005206.2, residues 645-665): PPPSGTQNGF[Ile655Ser]TGYKIRHRKT

ClinVar aggregate classification (germline): Uncertain significance (1 of 4 stars; one submission).

gnomAD v4.1: 1 of 1,613,730 alleles (0.000062%); highest among the groups gnomAD compares: African/African-American, 0.0013%; no homozygotes.

Submission:

GeneDx
Classification: Uncertain significance. Last evaluated: 2024-02-12. Review status: criteria provided, single submitter. Criteria: GeneDx Variant Classification Process June 2021. Collection method: clinical testing. Allele origin: germline. Affected: yes.
Comment: Not observed at significant frequency in large population cohorts (gnomAD); In silico analysis supports that this missense variant has a deleterious effect on protein structure/function; Has not been previously published as pathogenic or benign to our knowledge